The following is an entry in ClinVar:

ClinVar aggregate classification (germline): Benign. Review status: criteria provided, single submitter (1 of 4 stars). 2 submissions from 2 submitters: Benign (1). 1 of the submissions does not count toward it. Last evaluated 2025-06-17.

Conditions:
SIM1-related disorder. Also called: SIM1-related disorders; SIM1-related condition.

Allele frequency attached by ClinVar (database versions not stated): gnomAD exomes 0.00002; ExAC 0.00007; gnomAD 0.00025; TOPMed 0.00026; ESP Exome Variant Server 0.00031; 1000 Genomes Project 0.00060; 1000 Genomes Project 30x 0.00094.
gnomAD v4.1: 64 of 1,614,176 alleles (0.004%); highest among the groups gnomAD compares: African/African-American, 0.076%; no homozygotes.

Submissions (2):

Labcorp Genetics (formerly Invitae), Labcorp
Classification: Benign. Last evaluated: 2025-06-17. Review status: criteria provided, single submitter. Criteria: Invitae Variant Classification Sherloc (09022015). Collection method: clinical testing. Allele origin: germline.

PreventionGenetics, part of Exact Sciences
Classification: Likely benign for SIM1-related condition. Last evaluated: 2020-11-19. Review status: no assertion criteria provided. Collection method: clinical testing. Allele origin: germline. Not counted in ClinVar's aggregate classification.
Comment: This variant is classified as likely benign based on ACMG/AMP sequence variant interpretation guidelines (Richards et al. 2015 PMID: 25741868, with internal and published modifications).

NM_005068.3(SIM1):c.2226T>C (p.Thr742=)

Gene: SIM1 (SIM bHLH transcription factor 1; minus strand). Cytogenetic location: 6q16.3.
Variant type: single nucleotide variant.
Coding change: c.2226T>C on transcript NM_005068.3 (MANE Select); coding-DNA position 2226, T replaced by C.
Protein change: p.Thr742=; no amino-acid change (threonine 742 retained).
Molecular consequence: synonymous variant.
Genome position (GRCh38, 1-based): chr6:100,390,436, A>G on the plus strand (T>C on the coding strand, the complement: SIM1 is on the minus strand). VCF-style: chr6-100390436-A-G. GRCh37 (hg19) VCF-style: chr6-100838312-A-G.
Other names: c.2226T>C, p.Thr742= (NM_001374769.1).
Identifiers: ClinVar variation 3044356 (VCV003044356.3), dbSNP rs139754745, ClinGen allele CA3936847.